The following is an entry in ClinVar:

NM_001715.3(BLK):c.571C>A (p.Pro191Thr)

Genes: BLK-AS1 (BLK antisense RNA 1), BLK (BLK proto-oncogene, Src family tyrosine kinase). Cytogenetic location: 8p23.1.
Variant type: single nucleotide variant.
Coding change: c.571C>A on transcript NM_001715.3 (MANE Select); coding-DNA position 571, C replaced by A.
Protein change: p.Pro191Thr; replaces proline 191 with threonine.
Molecular consequence: missense variant.
Genome position (GRCh38, 1-based): chr8:11,554,841, C>A. VCF-style: chr8-11554841-C-A. GRCh37 (hg19) VCF-style: chr8-11412350-C-A.
Other names: c.358C>A, p.Pro120Thr (NM_001330465.2); short protein forms P191T, P120T.
Identifiers: ClinVar variation 361481 (VCV000361481.6), dbSNP rs769895420, ClinGen allele CA4629961.
Genomic context (GRCh38, chr8:11,554,841, plus strand): 5'-GGGGAGCTGATCAAGCACTATAAGATCCGCTGCCTGGATGAAGGGGGCTACTACATCTCC[C>A]CCCGGATCACCTTCCCCTCGCTCCAGGCCCTGGTGCAGCACTATTCTAGTAAGAGGGGGC-3'
Protein context (NP_001706.2, residues 181-201): CLDEGGYYIS[Pro191Thr]RITFPSLQAL

ClinVar aggregate classification (germline): Uncertain significance. Review status: criteria provided, multiple submitters, no conflicts (2 of 4 stars). 2 submissions from 2 submitters: Uncertain significance (2). Last evaluated 2025-11-06.

Conditions:
Maturity-onset diabetes of the young type 11. Identifiers: Orphanet 552, MedGen C3150618, MONDO:0013242, OMIM 613375.

Allele frequency attached by ClinVar (database versions not stated): ExAC 0.00002; gnomAD 0.00002; gnomAD exomes 0.00002 and 0.00004; TOPMed 0.00014.
gnomAD v4.1: 41 of 1,613,858 alleles (0.0025%); highest among the groups gnomAD compares: Admixed American, 0.017%; no homozygotes.

Submissions (2):

Labcorp Genetics (formerly Invitae), Labcorp
Classification: Uncertain significance. Last evaluated: 2025-11-06. Review status: criteria provided, single submitter. Criteria: Invitae Variant Classification Sherloc (09022015). Collection method: clinical testing. Allele origin: germline.
Comment: This sequence change replaces proline, which is neutral and non-polar, with threonine, which is neutral and polar, at codon 191 of the BLK protein (p.Pro191Thr). This variant is present in population databases (rs769895420, gnomAD 0.05%). This variant has not been reported in the literature in individuals affected with BLK-related conditions. ClinVar contains an entry for this variant (Variation ID: 361481). An algorithm developed to predict the effect of missense changes on protein structure and function (PolyPhen-2) suggests that this variant is likely to be disruptive. In summary, the available evidence is currently insufficient to determine the role of this variant in disease. Therefore, it has been classified as a Variant of Uncertain Significance.

Illumina Laboratory Services, Illumina
Classification: Uncertain significance for Maturity-onset diabetes of the young type 11. Last evaluated: 2018-01-12. Review status: criteria provided, single submitter. Criteria: ICSL Variant Classification Criteria 13 December 2019. Collection method: clinical testing. Allele origin: germline.